The following is an entry in ClinVar:

ClinVar aggregate classification (germline): Likely benign. Review status: criteria provided, multiple submitters, no conflicts (2 of 4 stars). 4 submissions from 4 submitters: Likely benign (3). 1 of the submissions does not count toward it. Last evaluated 2025-12-24.

Conditions:
ANKRD26-related disorder. Also called: ANKRD26-related condition.
Inborn genetic diseases. Identifiers: MedGen C0950123, MeSH D030342.

Allele frequency attached by ClinVar (database versions not stated): ExAC 0.00004; gnomAD 0.00006; TOPMed 0.00007; ESP Exome Variant Server 0.00008; gnomAD exomes 0.00010.
gnomAD v4.1: 157 of 1,612,156 alleles (0.0097%); highest among the groups gnomAD compares: Non-Finnish European, 0.012%; no homozygotes.

Submissions (4):

Labcorp Genetics (formerly Invitae), Labcorp
Classification: Likely benign. Last evaluated: 2025-12-24. Review status: criteria provided, single submitter. Criteria: Invitae Variant Classification Sherloc (09022015). Collection method: clinical testing. Allele origin: germline.

Ambry Genetics
Classification: Likely benign for Inborn genetic diseases. Last evaluated: 2024-11-18. Review status: criteria provided, single submitter. Criteria: Ambry Variant Classification Scheme 2023. Collection method: clinical testing. Allele origin: germline.

Blueprint Genetics
Classification: Likely benign. Last evaluated: 2024-09-25. Review status: criteria provided, single submitter. Criteria: ACMG Guidelines, 2015. Collection method: clinical testing. Allele origin: germline.

PreventionGenetics, part of Exact Sciences
Classification: Likely benign for ANKRD26-related condition. Last evaluated: 2022-10-18. Review status: no assertion criteria provided. Collection method: clinical testing. Allele origin: germline. Not counted in ClinVar's aggregate classification.
Comment: This variant is classified as likely benign based on ACMG/AMP sequence variant interpretation guidelines (Richards et al. 2015 PMID: 25741868, with internal and published modifications).

NM_014915.3(ANKRD26):c.3705A>G (p.Gln1235=)

Gene: ANKRD26 (ankyrin repeat domain 26; minus strand). Cytogenetic location: 10p12.1.
Variant type: single nucleotide variant.
Coding change: c.3705A>G on transcript NM_014915.3 (MANE Select); coding-DNA position 3705, A replaced by G.
Protein change: p.Gln1235=; no amino-acid change (glutamine 1235 retained).
Molecular consequence: synonymous variant.
Genome position (GRCh38, 1-based): chr10:27,033,327, T>C on the plus strand (A>G on the coding strand, the complement: ANKRD26 is on the minus strand). VCF-style: chr10-27033327-T-C. GRCh37 (hg19) VCF-style: chr10-27322256-T-C.
Other names: c.3702A>G, p.Gln1234= (NM_001256053.2).
Identifiers: ClinVar variation 3036216 (VCV003036216.6), dbSNP rs199524104, ClinGen allele CA5447978.